The following is an entry in ClinVar:

NM_004064.5(CDKN1B):c.83C>A (p.Ala28Asp)

Gene: CDKN1B (cyclin dependent kinase inhibitor 1B; plus strand). Cytogenetic location: 12p13.1.
Variant type: single nucleotide variant.
Coding change: c.83C>A on transcript NM_004064.5 (MANE Select); coding-DNA position 83, C replaced by A.
Protein change: p.Ala28Asp; replaces alanine 28 with aspartic acid.
Molecular consequence: missense variant.
Genome position (GRCh38, 1-based): chr12:12,717,922, C>A. VCF-style: chr12-12717922-C-A. GRCh37 (hg19) VCF-style: chr12-12870856-C-A.
Other names: short protein forms A28D.
Identifiers: ClinVar variation 1763236 (VCV001763236.9), dbSNP rs1592280774, ClinGen allele CA383968398.

ClinVar aggregate classification (germline): Uncertain significance. Review status: criteria provided, multiple submitters, no conflicts (2 of 4 stars). 2 submissions from 2 submitters: Uncertain significance (2). Last evaluated 2025-02-14.

Conditions:
Hereditary cancer-predisposing syndrome. Also called: Neoplastic Syndromes, Hereditary; Tumor predisposition; Hereditary neoplastic syndrome; Hereditary Cancer Syndrome. Identifiers: Orphanet 140162, MedGen C0027672, MeSH D009386, MONDO:0015356.
Multiple endocrine neoplasia type 4. Also called: MULTIPLE ENDOCRINE NEOPLASIA, TYPE IV. Identifiers: Orphanet 276152, MedGen C1970712, MONDO:0012552, OMIM 610755.

Submissions (2):

Ambry Genetics
Classification: Uncertain significance for Hereditary cancer-predisposing syndrome. Last evaluated: 2025-02-14. Review status: criteria provided, single submitter. Criteria: Ambry Variant Classification Scheme 2023. Collection method: clinical testing. Allele origin: germline.
Comment: The p.A28D variant (also known as c.83C>A), located in coding exon 1 of the CDKN1B gene, results from a C to A substitution at nucleotide position 83. The alanine at codon 28 is replaced by aspartic acid, an amino acid with dissimilar properties. This amino acid position is highly conserved in available vertebrate species. In addition, this alteration is predicted to be deleterious by in silico analysis. Since supporting evidence is limited at this time, the clinical significance of this alteration remains unclear.

Labcorp Genetics (formerly Invitae), Labcorp
Classification: Uncertain significance for Multiple endocrine neoplasia type 4. Last evaluated: 2024-10-14. Review status: criteria provided, single submitter. Criteria: Invitae Variant Classification Sherloc (09022015). Collection method: clinical testing. Allele origin: germline.
Comment: This sequence change replaces alanine, which is neutral and non-polar, with aspartic acid, which is acidic and polar, at codon 28 of the CDKN1B protein (p.Ala28Asp). This variant is not present in population databases (gnomAD no frequency). This variant has not been reported in the literature in individuals affected with CDKN1B-related conditions. ClinVar contains an entry for this variant (Variation ID: 1763236). An algorithm developed to predict the effect of missense changes on protein structure and function (PolyPhen-2) suggests that this variant is likely to be disruptive. In summary, the available evidence is currently insufficient to determine the role of this variant in disease. Therefore, it has been classified as a Variant of Uncertain Significance.